The following is an entry in ClinVar:

ClinVar aggregate classification (germline): Benign. Review status: criteria provided, multiple submitters, no conflicts (2 of 4 stars). 24 submissions from 17 submitters: Benign (21). 3 of the submissions do not count toward it. Last evaluated 2026-02-04.

Conditions:
Dilated cardiomyopathy 1G (CMD1G). Identifiers: Orphanet 154, MedGen C1858763, MONDO:0011400, OMIM 604145.
Autosomal recessive limb-girdle muscular dystrophy type 2J (LGMDR10). Also called: MUSCULAR DYSTROPHY, LIMB-GIRDLE, AUTOSOMAL RECESSIVE 10; Limb-girdle muscular dystrophy, type 2J. Identifiers: Orphanet 140922, MedGen C1837342, MONDO:0012127, OMIM 608807.
Cardiovascular phenotype. Identifiers: MedGen CN230736.
Early-onset myopathy with fatal cardiomyopathy (CMYO5). Also called: CONGENITAL MYOPATHY 5 WITH CARDIOMYOPATHY; Salih Myopathy. Identifiers: Orphanet 289377, MedGen C2673677, MONDO:0012714, OMIM 611705. Disease mechanism: loss of function.
Myopathy, myofibrillar, 9, with early respiratory failure (MFM9). Also called: Myopathy, distal, with early respiratory failure, autosomal dominant; Hereditary myopathy with early respiratory failure; MYOPATHY, PROXIMAL, WITH EARLY RESPIRATORY MUSCLE INVOLVEMENT; EDSTROM MYOPATHY. Identifiers: Orphanet 178464, Orphanet 34521, MedGen C1863599, MONDO:0011362, OMIM 603689.
Tibial muscular dystrophy (TMD). Also called: Udd Distal Myopathy – Tibial Muscular Dystrophy; Tibial muscular dystrophy, tardive; UDD MYOPATHY. Identifiers: Orphanet 609, MedGen C1838244, MONDO:0010870, OMIM 600334.

Allele frequency attached by ClinVar (database versions not stated): TOPMed 0.02594; 1000 Genomes Project 30x 0.04747; 1000 Genomes Project 0.05132; ESP Exome Variant Server 0.01623; gnomAD 0.02406 and 0.02592; gnomAD exomes 0.03912; ExAC 0.03971.
gnomAD v4.1: 44,019 of 1,611,654 alleles (2.7%); highest among the groups gnomAD compares: East Asian, 19%; 1,379 homozygotes.

Submissions (24):

Labcorp Genetics (formerly Invitae), Labcorp
Classification: Benign for Dilated cardiomyopathy 1G; Autosomal recessive limb-girdle muscular dystrophy type 2J. Last evaluated: 2026-02-04. Review status: criteria provided, single submitter. Criteria: Invitae Variant Classification Sherloc (09022015). Collection method: clinical testing. Allele origin: germline.

Molecular Diagnostic Laboratory for Inherited Cardiovascular Disease, Montreal Heart Institute
Classification: Benign. Last evaluated: 2025-04-09. Review status: criteria provided, single submitter. Criteria: ACMG Guidelines, 2015. Collection method: clinical testing. Allele origin: germline. Affected: no.

Genome-Nilou Lab
Classification: Benign for Autosomal recessive limb-girdle muscular dystrophy type 2J. Last evaluated: 2021-09-10. Review status: criteria provided, single submitter. Criteria: ACMG Guidelines, 2015. Collection method: clinical testing. Allele origin: germline. Affected: no.

Genome-Nilou Lab
Classification: Benign for Myopathy, myofibrillar, 9, with early respiratory failure. Last evaluated: 2021-09-10. Review status: criteria provided, single submitter. Criteria: ACMG Guidelines, 2015. Collection method: clinical testing. Allele origin: germline. Affected: no.

Genome-Nilou Lab
Classification: Benign for Early-onset myopathy with fatal cardiomyopathy. Last evaluated: 2021-09-10. Review status: criteria provided, single submitter. Criteria: ACMG Guidelines, 2015. Collection method: clinical testing. Allele origin: germline. Affected: no.

Genome-Nilou Lab
Classification: Benign for Tibial muscular dystrophy. Last evaluated: 2021-09-10. Review status: criteria provided, single submitter. Criteria: ACMG Guidelines, 2015. Collection method: clinical testing. Allele origin: germline. Affected: no.

Women's Health and Genetics/Laboratory Corporation of America, LabCorp
Classification: Benign. Last evaluated: 2019-11-06. Review status: criteria provided, single submitter. Criteria: LabCorp Variant Classification Summary - May 2015. Collection method: clinical testing. Allele origin: germline.
Comment: Variant summary: TTN c.21894G>T (p.Gln7298His) results in a non-conservative amino acid change located in the I-band of the encoded protein sequence. Three of four in-silico tools predict a benign effect of the variant on protein function. The variant allele was found at a frequency of 0.039 in 247602 control chromosomes, predominantly at a frequency of 0.21 within the East Asian subpopulation in the gnomAD database, including 405 homozygotes. The observed variant frequency within East Asian control individuals in the gnomAD database is approximately 336-folds over the estimated maximal expected allele frequency for a pathogenic variant in TTN causing Cardiomyopathy phenotype (0.00063), strongly suggesting that the variant is a benign polymorphism found primarily in populations of East Asian origin. Two ClinVar submissions (evaluation after 2014) cite the variant once as likely benign and once as benign. Based on the evidence outlined above, the variant was classified as benign.

Athena Diagnostics
Classification: Benign. Last evaluated: 2018-12-18. Review status: criteria provided, single submitter. Criteria: Athena Diagnostics Criteria. Collection method: clinical testing. Allele origin: germline.

Illumina Laboratory Services, Illumina
Classification: Benign for Myopathy, myofibrillar, 9, with early respiratory failure. Last evaluated: 2018-01-12. Review status: criteria provided, single submitter. Criteria: ICSL Variant Classification Criteria 13 December 2019. Collection method: clinical testing. Allele origin: germline.
Comment: This variant was observed in the ICSL laboratory as part of a predisposition screen in an ostensibly healthy population. It had not been previously curated by ICSL or reported in the Human Gene Mutation Database (HGMD: prior to June 1st, 2018), and was therefore a candidate for classification through an automated scoring system. Utilizing variant allele frequency, disease prevalence and penetrance estimates, and inheritance mode, an automated score was calculated to assess if this variant is too frequent to cause the disease. Based on the score and internal cut-off values, a variant classified as benign is not then subjected to further curation. The score for this variant resulted in a classification of benign for this disease.

Illumina Laboratory Services, Illumina
Classification: Benign for Dilated cardiomyopathy 1G. Last evaluated: 2018-01-12. Review status: criteria provided, single submitter. Criteria: ICSL Variant Classification Criteria 13 December 2019. Collection method: clinical testing. Allele origin: germline.
Comment: the same text as in the submission from Illumina Laboratory Services, Illumina above.

Illumina Laboratory Services, Illumina
Classification: Benign for Early-onset myopathy with fatal cardiomyopathy. Last evaluated: 2018-01-12. Review status: criteria provided, single submitter. Criteria: ICSL Variant Classification Criteria 13 December 2019. Collection method: clinical testing. Allele origin: germline.
Comment: the same text as in the submission from Illumina Laboratory Services, Illumina above.

Illumina Laboratory Services, Illumina
Classification: Benign for Autosomal recessive limb-girdle muscular dystrophy type 2J. Last evaluated: 2018-01-12. Review status: criteria provided, single submitter. Criteria: ICSL Variant Classification Criteria 13 December 2019. Collection method: clinical testing. Allele origin: germline.
Comment: the same text as in the submission from Illumina Laboratory Services, Illumina above.

Illumina Laboratory Services, Illumina
Classification: Benign for Tibial muscular dystrophy. Last evaluated: 2018-01-12. Review status: criteria provided, single submitter. Criteria: ICSL Variant Classification Criteria 13 December 2019. Collection method: clinical testing. Allele origin: germline.
Comment: the same text as in the submission from Illumina Laboratory Services, Illumina above.

Mayo Clinic Laboratories, Mayo Clinic
Classification: Benign. Last evaluated: 2017-10-04. Review status: criteria provided, single submitter. Criteria: ACMG Guidelines, 2015. Collection method: clinical testing. Allele origin: germline. Observed: 114 variant alleles.

Genetic Services Laboratory, University of Chicago
Classification: Benign for AllHighlyPenetrant. Last evaluated: 2013-08-15. Review status: criteria provided, single submitter. Criteria: ACMG Guidelines, 2007. Collection method: clinical testing. Allele origin: germline.

Biesecker Lab/Clinical Genomics Section, National Institutes of Health
Classification: Benign. Last evaluated: 2013-06-24. Review status: criteria provided, single submitter. Criteria: Ng et al. (Circ Cardiovasc Genet. 2013). Collection method: research. Allele origin: unknown. Observed: 41 variant alleles. Study: ClinSeq.
Comment: The study set was not selected for affection status in relation to any cancer. Pathogenicity categories were based on literature curation. See Pubmed ID:23861362 for details.

Medical sequencing

GeneDx
Classification: Benign. Last evaluated: 2013-04-29. Review status: criteria provided, single submitter. Criteria: GeneDx Variant Classification (06012015). Collection method: clinical testing. Allele origin: germline. Affected: yes.
Comment: This variant is considered likely benign or benign based on one or more of the following criteria: it is a conservative change, it occurs at a poorly conserved position in the protein, it is predicted to be benign by multiple in silico algorithms, and/or has population frequency not consistent with disease.

Ambry Genetics
Classification: Benign for Cardiovascular phenotype. Last evaluated: 2013-01-16. Review status: criteria provided, single submitter. Criteria: Ambry Autosomal Dominant and X-Linked criteria (10/2015). Collection method: clinical testing. Allele origin: germline. Observed: 1 variant allele.

Laboratory for Molecular Medicine, Mass General Brigham Personalized Medicine
Classification: Benign. Last evaluated: 2012-04-26. Review status: criteria provided, single submitter. Criteria: LMM Criteria. Collection method: clinical testing. Allele origin: germline. Observed: 81 variant alleles.
Comment: Gln7298His in exon 85 of TTN: This variant is not expected to have clinical sign ificance because it has been identified in 2.3% (154/6660) of European American chromosomes from a broad population by the NHLBI Exome Sequencing Project (rs2562832).

Breakthrough Genomics
Classification: Benign. Review status: criteria provided, single submitter. Criteria: ACMG Guidelines, 2015. Collection method: not provided. Allele origin: germline. Inheritance: Autosomal recessive inheritance. Affected: yes.

PreventionGenetics, part of Exact Sciences
Classification: Benign. Review status: criteria provided, single submitter. Criteria: ACMG Guidelines, 2015. Collection method: clinical testing. Allele origin: germline.

Clinical Genetics DNA and cytogenetics Diagnostics Lab, Erasmus MC, Erasmus Medical Center
Classification: Benign. Review status: no assertion criteria provided. Collection method: clinical testing. Allele origin: germline. Affected: yes. Study: VKGL Data-share Consensus. Not counted in ClinVar's aggregate classification.

Clinical Genetics, Academic Medical Center
Classification: Benign. Review status: no assertion criteria provided. Collection method: clinical testing. Allele origin: germline. Affected: yes. Study: VKGL Data-share Consensus. Not counted in ClinVar's aggregate classification.

Laboratory of Diagnostic Genome Analysis, Leiden University Medical Center (LUMC)
Classification: Benign. Review status: no assertion criteria provided. Collection method: clinical testing. Allele origin: germline. Affected: yes. Study: VKGL Data-share Consensus. Not counted in ClinVar's aggregate classification.

NM_001267550.2(TTN):c.25626G>T (p.Gln8542His)

Gene: TTN (titin; minus strand). Cytogenetic location: 2q31.2.
Variant type: single nucleotide variant.
Coding change: c.25626G>T on transcript NM_001267550.2 (MANE Select); coding-DNA position 25626, G replaced by T.
Protein change: p.Gln8542His; replaces glutamine 8542 with histidine.
Molecular consequence: missense variant. On other transcripts: intron variant (3).
Genome position (GRCh38, 1-based): chr2:178,717,108, C>A on the plus strand (G>T on the coding strand, the complement: TTN is on the minus strand). VCF-style: chr2-178717108-C-A. GRCh37 (hg19) VCF-style: chr2-179581835-C-A.
Other names: p.Q7298H:CAG>CAT; c.24675G>T, p.Gln8225His (NM_001256850.1); c.21894G>T, p.Gln7298His (NM_133378.4); c.13282+20974G>T (NM_003319.4); c.13858+20974G>T (NM_133437.4); c.13657+20974G>T (NM_133432.3); short protein forms Q8542H, Q7298H, Q8225H.
Identifiers: ClinVar variation 46763 (VCV000046763.36), dbSNP rs2562832, ClinGen allele CA282944.